The following is an entry in ClinVar:

NM_001378454.1(ALMS1):c.12402A>G (p.Glu4134=)

Gene: ALMS1 (ALMS1 centrosome and basal body associated protein; plus strand). Cytogenetic location: 2p13.1.
Variant type: single nucleotide variant.
Coding change: c.12402A>G on transcript NM_001378454.1 (MANE Select); coding-DNA position 12402, A replaced by G.
Protein change: p.Glu4134=; no amino-acid change (glutamic acid 4134 retained).
Molecular consequence: synonymous variant.
Genome position (GRCh38, 1-based): chr2:73,608,514, A>G. VCF-style: chr2-73608514-A-G. GRCh37 (hg19) VCF-style: chr2-73835641-A-G.
Other names: c.12405A>G, p.Glu4135= (NM_015120.4).
Identifiers: ClinVar variation 1109168 (VCV001109168.11), dbSNP rs1675868945, ClinGen allele CA426786004.
Genomic context (GRCh38, chr2:73,608,514, plus strand): 5'-TTCACTGGTGCCATTTCTAAGGATTTATGAGCAGCTTCCAGAAGTACAGAAAAAGAGAGA[A>G]GAAGAGAAGAGAAAATCAGAATATAAGTCATACCGGCTGCGAGCCCAGCTATATAAAAAG-3'
Protein context (NP_001365383.1, residues 4124-4144): EQLPEVQKKR[Glu4134=]EEKRKSEYKS

ClinVar aggregate classification (germline): Likely benign. Review status: criteria provided, multiple submitters, no conflicts (2 of 4 stars). 3 submissions from 3 submitters: Likely benign (2). 1 of the submissions does not count toward it. Last evaluated 2026-09-01.

Conditions:
Alstrom syndrome (ALMS). Identifiers: Orphanet 64, MedGen C0268425, MONDO:0008763, OMIM 203800.

Allele frequency attached by ClinVar (database versions not stated): TOPMed below 0.00001.

Submissions (3):

CeGaT Center for Human Genetics Tuebingen
Classification: Likely benign. Last evaluated: 2026-09-01. Review status: criteria provided, single submitter. Criteria: CeGaT Center For Human Genetics Tuebingen Variant Classification Criteria Version 2. Collection method: clinical testing. Allele origin: germline. Affected: yes. Observed: 1 variant allele.
Comment: ALMS1: PM2:Supporting, BP4, BP7

Labcorp Genetics (formerly Invitae), Labcorp
Classification: Likely benign for Alstrom syndrome. Last evaluated: 2024-10-24. Review status: criteria provided, single submitter. Criteria: Invitae Variant Classification Sherloc (09022015). Collection method: clinical testing. Allele origin: germline.

Natera, Inc.
Classification: Uncertain significance for Alstrom syndrome. Last evaluated: 2025-04-10. Review status: no assertion criteria provided. Collection method: clinical testing. Allele origin: germline. Not counted in ClinVar's aggregate classification.